The following is an entry in ClinVar:

NM_012330.4(KAT6B):c.2154del (p.Tyr719fs)

Gene: KAT6B (lysine acetyltransferase 6B; plus strand). Cytogenetic location: 10q22.2.
Variant type: Deletion.
Coding change: c.2154del on transcript NM_012330.4 (MANE Select); coding-DNA position 2154, one base deleted (G; older notation c.2154delG).
Protein change: p.Tyr719fs; shifts the reading frame from tyrosine 719.
Molecular consequence: frameshift variant. On other transcripts: intron variant (2).
Genome position (GRCh38, 1-based): chr10:74,979,262, G deleted; the last of 2 consecutive G bases (chr10:74,979,261-74,979,262); deleting either gives the same sequence. VCF-style (leftmost placement, unchanged base first): chr10-74979260-CG-C. GRCh37 (hg19) VCF-style: chr10-76739018-CG-C.
Other names: c.1605del, p.Tyr536fs (NM_001256468.2, NM_001370138.1); c.1278del, p.Tyr427fs (NM_001256469.2, NM_001370132.1, NM_001370139.1 and 3 more transcripts); c.231del, p.Tyr78fs (NM_001370134.1); c.2154del, p.Tyr719fs (NM_001370136.1, NM_001370137.1); c.1089del, p.Tyr364fs (NM_001370143.1, NM_001370144.1); c.846+9487del (NM_001370133.1); c.193-9757del (NM_001370135.1); short protein forms Y364fs, Y427fs, Y536fs, Y719fs, Y78fs.
Identifiers: ClinVar variation 3235224 (VCV003235224.1), dbSNP rs2548975716.

ClinVar aggregate classification (germline): Uncertain significance (1 of 4 stars; one submission).

Conditions:
Blepharophimosis - intellectual disability syndrome, SBBYS type (SBBYSS). Also called: Say-Barber-Biesecker-Young-Simpson variant of Ohdo Syndrome; Say-Barber-Biesecker Variant of Ohdo Syndrome; Say-Barber-Biesecker variant of Ohdo syndrome (SBBYSS); Young Simpson syndrome; Mental retardation unusual facies hypothyroidism; Ohdo syndrome, SBBYS variant. Identifiers: Orphanet 3047, MedGen C1863557, MONDO:0011365, OMIM 603736.

Submission:

MVZ Medizinische Genetik Mainz
Classification: Uncertain significance for Blepharophimosis - intellectual disability syndrome, SBBYS type. Last evaluated: 2022-08-09. Review status: criteria provided, single submitter. Criteria: UK Practice Guidelines For Variant Classification V4 01 2020. Collection method: clinical testing. Allele origin: germline. Inheritance: Autosomal dominant inheritance. Affected: yes. Observed: 1 variant allele.
Comment: ACMG Criteria: PVS1_STR, PM2_SUP (ACMG Version 4)